The following is an entry in ClinVar:

ClinVar aggregate classification (germline): Uncertain significance (1 of 4 stars; one submission).

Submission:

Ambry Genetics
Classification: Uncertain significance. Last evaluated: 2026-01-09. Review status: criteria provided, single submitter. Criteria: Ambry Variant Classification Scheme 2023. Collection method: clinical testing. Allele origin: germline.
Comment: The p.K664R variant (also known as c.1991A>G), located in coding exon 1 of the TET2 gene, results from an A to G substitution at nucleotide position 1991. The lysine at codon 664 is replaced by arginine, an amino acid with highly similar properties. This amino acid position is conserved. In addition, this alteration is predicted to be tolerated by in silico analysis. Based on the available evidence, the clinical significance of this variant remains unclear.

NM_001127208.3(TET2):c.1991A>G (p.Lys664Arg)

Genes: TET2 (tet methylcytosine dioxygenase 2; plus strand), TET2-AS1 (TET2 antisense RNA 1; minus strand). Cytogenetic location: 4q24.
Variant type: single nucleotide variant.
Coding change: c.1991A>G on transcript NM_001127208.3 (MANE Select); coding-DNA position 1991, A replaced by G.
Protein change: p.Lys664Arg; replaces lysine 664 with arginine.
Molecular consequence: missense variant.
Genome position (GRCh38, 1-based): chr4:105,235,933, A>G. VCF-style: chr4-105235933-A-G. GRCh37 (hg19) VCF-style: chr4-106157090-A-G.
Other names: c.1991A>G, p.Lys664Arg (NM_017628.4); short protein forms K664R.
Identifiers: ClinVar variation 4843497 (VCV004843497.1).